The following is an entry in ClinVar:

NM_000528.4(MAN2B1):c.1483C>T (p.Gln495Ter)

Gene: MAN2B1 (mannosidase alpha class 2B member 1; minus strand). Cytogenetic location: 19p13.13.
Variant type: single nucleotide variant.
Coding change: c.1483C>T on transcript NM_000528.4 (MANE Select); coding-DNA position 1483, C replaced by T.
Protein change: p.Gln495Ter; replaces glutamine 495 with a stop codon.
Molecular consequence: nonsense.
Genome position (GRCh38, 1-based): chr19:12,656,993, G>A on the plus strand (C>T on the coding strand, the complement: MAN2B1 is on the minus strand). VCF-style: chr19-12656993-G-A. GRCh37 (hg19) VCF-style: chr19-12767807-G-A.
Other names: c.1480C>T, p.Gln494Ter (NM_001173498.2); short protein forms Q494*, Q495*.
Identifiers: ClinVar variation 984238 (VCV000984238.3), dbSNP rs755508725, ClinGen allele CA404246286.

ClinVar aggregate classification (germline): Likely pathogenic (1 of 4 stars; one submission).

Conditions:
Deficiency of alpha-mannosidase (MANSA). Also called: Mannosidosis, alpha-, types I and II; Alpha-Mannosidosis; LYSOSOMAL ALPHA-D-MANNOSIDASE DEFICIENCY. Identifiers: Orphanet 61, MedGen C0024748, MONDO:0009561, OMIM 248500.

Submission:

Myriad Genetics, Inc.
Classification: Likely pathogenic for Deficiency of alpha-mannosidase. Last evaluated: 2020-04-10. Review status: criteria provided, single submitter. Criteria: Myriad Women's Health Autosomal Recessive and X-Linked Classification Criteria (2019). Collection method: clinical testing. Allele origin: unknown.
Comment: NM_000528.3(MAN2B1):c.1483C>T(Q495*) is expected to be pathogenic in the context of alpha-mannosidosis. This variant is predicted to lead to an abnormal or absent protein product due to the creation of a premature termination codon in MAN2B1, a gene where loss-of-function variants are known to be pathogenic. Please note: this variant was assessed in the context of healthy population screening.